The following is an entry in ClinVar:

NM_005562.3(LAMC2):c.1262G>A (p.Gly421Glu)

Gene: LAMC2 (laminin subunit gamma 2; plus strand). Cytogenetic location: 1q25.3.
Variant type: single nucleotide variant.
Coding change: c.1262G>A on transcript NM_005562.3 (MANE Select); coding-DNA position 1262, G replaced by A.
Protein change: p.Gly421Glu; replaces glycine 421 with glutamic acid.
Molecular consequence: missense variant.
Genome position (GRCh38, 1-based): chr1:183,226,893, G>A. VCF-style: chr1-183226893-G-A. GRCh37 (hg19) VCF-style: chr1-183196028-G-A.
Other names: c.1262G>A, p.Gly421Glu (NM_018891.3); short protein forms G421E.
Identifiers: ClinVar variation 738048 (VCV000738048.16), dbSNP rs148753246, ClinGen allele CA1282565.

ClinVar aggregate classification (germline): Likely benign. Review status: criteria provided, multiple submitters, no conflicts (2 of 4 stars). 3 submissions from 3 submitters: Likely benign (2). 1 of the submissions does not count toward it. Last evaluated 2026-01-24.

Conditions:
Junctional epidermolysis bullosa. Identifiers: Orphanet 305, MedGen C0079301, MONDO:0017612.
LAMC2-related disorder. Also called: LAMC2-related condition.

Allele frequency attached by ClinVar (database versions not stated): gnomAD exomes 0.00016 and 0.00043; ExAC 0.00045; 1000 Genomes Project 0.00100; 1000 Genomes Project 30x 0.00109; gnomAD 0.00171 and 0.00185; TOPMed 0.00187; ESP Exome Variant Server 0.00200.
gnomAD v4.1: 512 of 1,614,066 alleles (0.032%); highest among the groups gnomAD compares: African/African-American, 0.53%; no homozygotes.

Submissions (3):

Labcorp Genetics (formerly Invitae), Labcorp
Classification: Likely benign. Last evaluated: 2026-01-24. Review status: criteria provided, single submitter. Criteria: Invitae Variant Classification Sherloc (09022015). Collection method: clinical testing. Allele origin: germline.

Illumina Laboratory Services, Illumina
Classification: Likely benign for Junctional epidermolysis bullosa. Last evaluated: 2018-01-13. Review status: criteria provided, single submitter. Criteria: ICSL Variant Classification Criteria 13 December 2019. Collection method: clinical testing. Allele origin: germline.
Comment: This variant was observed in the ICSL laboratory as part of a predisposition screen in an ostensibly healthy population. It had not been previously curated by ICSL or reported in the Human Gene Mutation Database (HGMD: prior to June 1st, 2018), and was therefore a candidate for classification through an automated scoring system. Utilizing variant allele frequency, disease prevalence and penetrance estimates, and inheritance mode, an automated score was calculated to assess if this variant is too frequent to cause the disease. Based on the score and internal cut-off values, a variant classified as likely benign is not then subjected to further curation. The score for this variant resulted in a classification of likely benign for this disease.

PreventionGenetics, part of Exact Sciences
Classification: Likely benign for LAMC2-related condition. Last evaluated: 2024-07-09. Review status: no assertion criteria provided. Collection method: clinical testing. Allele origin: germline. Not counted in ClinVar's aggregate classification.
Comment: This variant is classified as likely benign based on ACMG/AMP sequence variant interpretation guidelines (Richards et al. 2015 PMID: 25741868, with internal and published modifications).